The following is an entry in ClinVar:

ClinVar aggregate classification (germline): Uncertain significance (1 of 4 stars; one submission).

Conditions:
Polycystic kidney disease, adult type (PKD1). Also called: POLYCYSTIC KIDNEY DISEASE, ADULT, TYPE I; Polycystic Kidney Disease 1, Autosomal Dominant; Polycystic kidney disease 1; Polycystic kidney disease 1, severe; Polycystic Kidney, Autosomal Dominant; POLYCYSTIC KIDNEY DISEASE 1 WITH OR WITHOUT POLYCYSTIC LIVER DISEASE. Identifiers: MedGen C3149841, MONDO:0008263, OMIM 173900.

Submission:

Juno Genomics, Hangzhou Juno Genomics, Inc
Classification: Uncertain significance for Polycystic kidney disease, adult type. Review status: criteria provided, single submitter. Criteria: ACMG Guidelines, 2015. Collection method: clinical testing. Allele origin: germline. Affected: yes.
Comment: Absent from controls (or at extremely low frequency if recessive) in Genome Aggregation Database, Exome Sequencing Project, 1000 Genomes Project, or Exome Aggregation Consortium.;Multiple lines of computational evidence support a deleterious effect on the gene or gene product (conservation, evolutionary, splicing impact, etc).;The prevalence of the variant in affected individuals is significantly increased compared to the prevalence in controls.;Patient's phenotype or family history is highly specific for a disease with a single genetic etiology.

NM_001009944.3(PKD1):c.9397G>C (p.Gly3133Arg)

Gene: PKD1 (polycystin 1, transient receptor potential channel interacting; minus strand). Cytogenetic location: 16p13.3.
Variant type: single nucleotide variant.
Coding change: c.9397G>C on transcript NM_001009944.3 (MANE Select); coding-DNA position 9397, G replaced by C.
Protein change: p.Gly3133Arg; replaces glycine 3133 with arginine.
Molecular consequence: missense variant.
Genome position (GRCh38, 1-based): chr16:2,102,061, C>G on the plus strand (G>C on the coding strand, the complement: PKD1 is on the minus strand). VCF-style: chr16-2102061-C-G. GRCh37 (hg19) VCF-style: chr16-2152062-C-G.
Other names: c.9397G>C, p.Gly3133Arg (NM_000296.4); short protein forms G3133R.
Identifiers: ClinVar variation 3382400 (VCV003382400.2).
Genomic context (GRCh38, chr16:2,102,061, plus strand): 5'-GTGCAACCAGCACAGCCAGTGAGAGCAGGGGAGGCCCTGCCACCCCGCTGCGCCCCTCAC[C>G]TGAGCCCCGGCCCCAGCCTGTCTTGACGAGGATCTCGTACTTGAAGCGGCCCCGCTGCCC-3'
Protein context (NP_001009944.3, residues 3123-3143): LVKTGWGRGS[Gly3133Arg]TTAHVGIMLY